The following is an entry in ClinVar:

NM_014908.4(DOLK):c.702G>C (p.Met234Ile)

Gene: DOLK (dolichol kinase; minus strand). Cytogenetic location: 9q34.11.
Variant type: single nucleotide variant.
Coding change: c.702G>C on transcript NM_014908.4 (MANE Select); coding-DNA position 702, G replaced by C.
Protein change: p.Met234Ile; replaces methionine 234 with isoleucine.
Molecular consequence: missense variant.
Genome position (GRCh38, 1-based): chr9:128,946,602, C>G on the plus strand (G>C on the coding strand, the complement: DOLK is on the minus strand). VCF-style: chr9-128946602-C-G. GRCh37 (hg19) VCF-style: chr9-131708881-C-G.
Other names: short protein forms M234I.
Identifiers: ClinVar variation 857060 (VCV000857060.11), dbSNP rs746656818, ClinGen allele CA200444962.

ClinVar aggregate classification (germline): Uncertain significance. Review status: criteria provided, multiple submitters, no conflicts (2 of 4 stars). 2 submissions from 2 submitters: Uncertain significance (2). Last evaluated 2021-08-20.

Conditions:
DK1-congenital disorder of glycosylation. Also called: CDG Im; DK1 DEFICIENCY; DOLICHOL KINASE DEFICIENCY; DK1-CDG; DOLK-congenital disorder of glycosylation; Carbohydrate deficient glycoprotein syndrome type 1m. Identifiers: Orphanet 91131, MedGen C1835849, MONDO:0012556, OMIM 610768.

Allele frequency attached by ClinVar (database versions not stated): TOPMed below 0.00001; gnomAD exomes 0.00001.

Submissions (2):

Fulgent Genetics
Classification: Uncertain significance for DK1-congenital disorder of glycosylation. Last evaluated: 2021-08-20. Review status: criteria provided, single submitter. Criteria: ACMG Guidelines, 2015. Collection method: clinical testing. Allele origin: unknown.

Labcorp Genetics (formerly Invitae), Labcorp
Classification: Uncertain significance for DK1-congenital disorder of glycosylation. Last evaluated: 2019-02-13. Review status: criteria provided, single submitter. Criteria: Invitae Variant Classification Sherloc (09022015). Collection method: clinical testing. Allele origin: germline.
Comment: In summary, the available evidence is currently insufficient to determine the role of this variant in disease. Therefore, it has been classified as a Variant of Uncertain Significance. Algorithms developed to predict the effect of missense changes on protein structure and function (SIFT, PolyPhen-2, Align-GVGD) all suggest that this variant is likely to be tolerated, but these predictions have not been confirmed by published functional studies and their clinical significance is uncertain. This variant has not been reported in the literature in individuals with DOLK-related conditions. This variant is not present in population databases (ExAC no frequency). This sequence change replaces methionine with isoleucine at codon 234 of the DOLK protein (p.Met234Ile). The methionine residue is weakly conserved and there is a small physicochemical difference between methionine and isoleucine.